The following is an entry in ClinVar:

NM_000038.6(APC):c.2577T>C (p.Gly859=)

Gene: APC (APC regulator of Wnt signaling pathway; plus strand). Cytogenetic location: 5q22.2.
Variant type: single nucleotide variant.
Coding change: c.2577T>C on transcript NM_000038.6 (MANE Select); coding-DNA position 2577, T replaced by C.
Protein change: p.Gly859=; no amino-acid change (glycine 859 retained).
Molecular consequence: synonymous variant.
Genome position (GRCh38, 1-based): chr5:112,838,171, T>C. VCF-style: chr5-112838171-T-C. GRCh37 (hg19) VCF-style: chr5-112173868-T-C.
Other names: c.2577T>C, p.Gly859= (NM_001127510.3, NM_001354895.2); c.2523T>C, p.Gly841= (NM_001127511.3); c.2631T>C, p.Gly877= (NM_001354896.2); c.2607T>C, p.Gly869= (NM_001354897.2); c.2502T>C, p.Gly834= (NM_001354898.2); c.2493T>C, p.Gly831= (NM_001354899.2); c.2454T>C, p.Gly818= (NM_001354900.2); c.2400T>C, p.Gly800= (NM_001354901.2); and 5 more.
Identifiers: ClinVar variation 629424 (VCV000629424.15), dbSNP rs1561578087, ClinGen allele CA445962900.

ClinVar aggregate classification (germline): Benign/Likely benign. Review status: criteria provided, multiple submitters, no conflicts (2 of 4 stars). 3 submissions from 3 submitters: Benign (1); Likely benign (2). Last evaluated 2025-07-30.

Conditions:
Hereditary cancer-predisposing syndrome. Also called: Neoplastic Syndromes, Hereditary; Tumor predisposition; Hereditary neoplastic syndrome; Hereditary Cancer Syndrome. Identifiers: Orphanet 140162, MedGen C0027672, MeSH D009386, MONDO:0015356.
Familial adenomatous polyposis 1 (FAP1). Also called: POLYPOSIS, ADENOMATOUS INTESTINAL; FAMILIAL ADENOMATOUS POLYPOSIS 1, ATTENUATED. Identifiers: MedGen C2713442, MONDO:0021056, OMIM 175100. Disease mechanism: loss of function.

Submissions (3):

Labcorp Genetics (formerly Invitae), Labcorp
Classification: Likely benign for Familial adenomatous polyposis 1. Last evaluated: 2025-07-30. Review status: criteria provided, single submitter. Criteria: Invitae Variant Classification Sherloc (09022015). Collection method: clinical testing. Allele origin: germline.

Myriad Genetics, Inc.
Classification: Benign for Familial adenomatous polyposis 1. Last evaluated: 2024-03-14. Review status: criteria provided, single submitter. Criteria: Myriad Autosomal Dominant, Autosomal Recessive and X-Linked Classification Criteria (2023). Collection method: clinical testing. Allele origin: unknown.
Comment: This variant is considered benign. This variant is a silent/synonymous amino acid change and it is not expected to impact splicing.

Color Diagnostics, LLC DBA Color Health
Classification: Likely benign for Hereditary cancer-predisposing syndrome. Last evaluated: 2018-10-01. Review status: criteria provided, single submitter. Criteria: ACMG Guidelines, 2015. Collection method: clinical testing. Allele origin: germline.